The following is an entry in ClinVar:

NM_020366.4(RPGRIP1):c.1352A>C (p.Lys451Thr)

Gene: RPGRIP1 (RPGR interacting protein 1; plus strand). Cytogenetic location: 14q11.2.
Variant type: single nucleotide variant.
Coding change: c.1352A>C on transcript NM_020366.4 (MANE Select); coding-DNA position 1352, A replaced by C.
Protein change: p.Lys451Thr; replaces lysine 451 with threonine.
Molecular consequence: missense variant.
Genome position (GRCh38, 1-based): chr14:21,320,062, A>C. VCF-style: chr14-21320062-A-C. GRCh37 (hg19) VCF-style: chr14-21788221-A-C.
Other names: c.278A>C, p.Lys93Thr (NM_001377523.1, NM_001377948.1, NM_001377949.1 and 1 more transcripts); short protein forms K451T, K93T.
Identifiers: ClinVar variation 937163 (VCV000937163.9), dbSNP rs1882228306, ClinGen allele CA388864678.
Genomic context (GRCh38, chr14:21,320,062, plus strand): 5'-ATTATTTTTCCCCAGCCCAAAATGAGGATCTGAAGCTTGAAGTCACCAACATACTTCAGA[A>C]GCATAAACAGGAAGTAGAGCTCCTCCAAAATGCAGCCACAATTTCCCAACCTCCTGACAG-3'
Protein context (NP_065099.3, residues 441-461): LKLEVTNILQ[Lys451Thr]HKQEVELLQN

ClinVar aggregate classification (germline): Uncertain significance (1 of 4 stars; one submission).

Conditions:
Cone-rod dystrophy 13 (CORD13). Identifiers: Orphanet 1872, MedGen C2750720, MONDO:0011987, OMIM 608194.
Leber congenital amaurosis 6 (LCA6). Identifiers: Orphanet 65, MedGen C1854260, MONDO:0013446, OMIM 613826.

Submission:

Labcorp Genetics (formerly Invitae), Labcorp
Classification: Uncertain significance for Leber congenital amaurosis 6; Cone-rod dystrophy 13. Last evaluated: 2019-09-27. Review status: criteria provided, single submitter. Criteria: Invitae Variant Classification Sherloc (09022015). Collection method: clinical testing. Allele origin: germline.
Comment: In summary, the available evidence is currently insufficient to determine the role of this variant in disease. Therefore, it has been classified as a Variant of Uncertain Significance. Algorithms developed to predict the effect of missense changes on protein structure and function are either unavailable or do not agree on the potential impact of this missense change (SIFT: "Tolerated"; PolyPhen-2: "Possibly Damaging"; Align-GVGD: "Class C0"). This variant has not been reported in the literature in individuals with RPGRIP1-related conditions. This variant is not present in population databases (ExAC no frequency). This sequence change replaces lysine with threonine at codon 451 of the RPGRIP1 protein (p.Lys451Thr). The lysine residue is weakly conserved and there is a moderate physicochemical difference between lysine and threonine.